The following is an entry in ClinVar:

ClinVar aggregate classification (germline): Uncertain significance (1 of 4 stars; one submission).

Conditions:
Autosomal recessive limb-girdle muscular dystrophy type 2A (LGMDR1). Also called: Calpainopathy; Muscular dystrophy, limb-girdle, type 2A, Amish; LEYDEN-MOEBIUS MUSCULAR DYSTROPHY; MUSCULAR DYSTROPHY, PELVOFEMORAL; Limb-girdle muscular dystrophy, type 2A. Identifiers: Orphanet 267, MedGen C1869123, MONDO:0009675, OMIM 253600. Disease mechanism: loss of function.

Submission:

Labcorp Genetics (formerly Invitae), Labcorp
Classification: Uncertain significance for Autosomal recessive limb-girdle muscular dystrophy type 2A. Last evaluated: 2024-03-11. Review status: criteria provided, single submitter. Criteria: Invitae Variant Classification Sherloc (09022015). Collection method: clinical testing. Allele origin: germline.
Comment: This sequence change replaces isoleucine, which is neutral and non-polar, with lysine, which is basic and polar, at codon 661 of the CAPN3 protein (p.Ile661Lys). This variant is not present in population databases (gnomAD no frequency). This variant has not been reported in the literature in individuals affected with CAPN3-related conditions. ClinVar contains an entry for this variant (Variation ID: 1511348). Advanced modeling of protein sequence and biophysical properties (such as structural, functional, and spatial information, amino acid conservation, physicochemical variation, residue mobility, and thermodynamic stability) performed at Invitae indicates that this missense variant is not expected to disrupt CAPN3 protein function with a negative predictive value of 80%. In summary, the available evidence is currently insufficient to determine the role of this variant in disease. Therefore, it has been classified as a Variant of Uncertain Significance.

NM_000070.3(CAPN3):c.1982T>A (p.Ile661Lys)

Gene: CAPN3 (calpain 3; plus strand). Cytogenetic location: 15q15.1.
Variant type: single nucleotide variant.
Coding change: c.1982T>A on transcript NM_000070.3 (MANE Select); coding-DNA position 1982, T replaced by A.
Protein change: p.Ile661Lys; replaces isoleucine 661 with lysine.
Molecular consequence: missense variant. On other transcripts: 5 prime UTR variant (2).
Genome position (GRCh38, 1-based): chr15:42,409,370, T>A. VCF-style: chr15-42409370-T-A. GRCh37 (hg19) VCF-style: chr15-42701568-T-A.
Other names: c.1964T>A, p.Ile655Lys (NM_024344.2); c.1706T>A, p.Ile569Lys (NM_173087.2); c.446T>A, p.Ile149Lys (NM_173088.2); c.-14T>A (NM_173089.2, NM_173090.2); short protein forms I569K, I661K, I149K, I655K.
Identifiers: ClinVar variation 1511348 (VCV001511348.6), dbSNP rs2141219945, ClinGen allele CA392001284.